The following is an entry in ClinVar:

NM_001379286.1(ZNF423):c.1113C>T (p.Ser371=)

Gene: ZNF423 (zinc finger protein 423; minus strand). Cytogenetic location: 16q12.1.
Variant type: single nucleotide variant.
Coding change: c.1113C>T on transcript NM_001379286.1 (MANE Select); coding-DNA position 1113, C replaced by T.
Protein change: p.Ser371=; no amino-acid change (serine 371 retained).
Molecular consequence: synonymous variant.
Genome position (GRCh38, 1-based): chr16:49,638,063, G>A on the plus strand (C>T on the coding strand, the complement: ZNF423 is on the minus strand). VCF-style: chr16-49638063-G-A. GRCh37 (hg19) VCF-style: chr16-49671974-G-A.
Other names: c.909C>T, p.Ser303= (NM_001271620.2); c.738C>T, p.Ser246= (NM_001330533.2); c.1089C>T, p.Ser363= (NM_015069.5); c.1089C>T (NM_015069.4).
Identifiers: ClinVar variation 770101 (VCV000770101.14), dbSNP rs149688169, ClinGen allele CA8046759.

ClinVar aggregate classification (germline): Likely benign. Review status: criteria provided, multiple submitters, no conflicts (2 of 4 stars). 3 submissions from 3 submitters: Likely benign (2). 1 of the submissions does not count toward it. Last evaluated 2025-08-15.

Conditions:
ZNF423-related disorder. Also called: ZNF423-related condition.
Nephronophthisis 14 (NPHP14). Identifiers: Orphanet 2318, MedGen C3539071, MONDO:0013916, OMIM 614844.

Allele frequency attached by ClinVar (database versions not stated): gnomAD exomes 0.00004 and 0.00011; ExAC 0.00011; gnomAD 0.00029 and 0.00032; TOPMed 0.00033; ESP Exome Variant Server 0.00038; 1000 Genomes Project 0.00060; 1000 Genomes Project 30x 0.00062.
gnomAD v4.1: 108 of 1,613,900 alleles (0.0067%); highest among the groups gnomAD compares: African/African-American, 0.096%; no homozygotes.

Submissions (3):

Labcorp Genetics (formerly Invitae), Labcorp
Classification: Likely benign for Nephronophthisis 14. Last evaluated: 2025-08-15. Review status: criteria provided, single submitter. Criteria: Invitae Variant Classification Sherloc (09022015). Collection method: clinical testing. Allele origin: germline.

Blueprint Genetics
Classification: Likely benign. Last evaluated: 2022-09-19. Review status: criteria provided, single submitter. Criteria: ACMG Guidelines, 2015. Collection method: clinical testing. Allele origin: germline.

PreventionGenetics, part of Exact Sciences
Classification: Likely benign for ZNF423-related condition. Last evaluated: 2019-07-17. Review status: no assertion criteria provided. Collection method: clinical testing. Allele origin: germline. Not counted in ClinVar's aggregate classification.
Comment: This variant is classified as likely benign based on ACMG/AMP sequence variant interpretation guidelines (Richards et al. 2015 PMID: 25741868, with internal and published modifications).